The following is an entry in ClinVar:

NM_000821.7(GGCX):c.2085-20G>A

Gene: GGCX (gamma-glutamyl carboxylase; minus strand). Cytogenetic location: 2p11.2.
Variant type: single nucleotide variant.
Coding change: c.2085-20G>A on transcript NM_000821.7 (MANE Select); 20 bases into the intron before coding-DNA position 2085, G replaced by A.
Molecular consequence: intron variant.
Genome position (GRCh38, 1-based): chr2:85,550,146, C>T on the plus strand (G>A on the coding strand, the complement: GGCX is on the minus strand). VCF-style: chr2-85550146-C-T. GRCh37 (hg19) VCF-style: chr2-85777269-C-T.
Other names: c.1914-20G>A (NM_001142269.4).
Identifiers: ClinVar variation 4778898 (VCV004778898.1).

ClinVar aggregate classification (germline): Uncertain significance (1 of 4 stars; one submission).

gnomAD v4.1: 9 of 1,596,280 alleles (0.00056%); highest among the groups gnomAD compares: East Asian, 0.0045%; no homozygotes.

Submission:

Labcorp Genetics (formerly Invitae), Labcorp
Classification: Uncertain significance. Last evaluated: 2025-10-21. Review status: criteria provided, single submitter. Criteria: Invitae Variant Classification Sherloc (09022015). Collection method: clinical testing. Allele origin: germline.
Comment: This sequence change falls in intron 14 of the GGCX gene. It does not directly change the encoded amino acid sequence of the GGCX protein. This variant is present in population databases (no rsID available, gnomAD 0.007%). This variant has not been reported in the literature in individuals affected with GGCX-related conditions. Algorithms developed to predict the effect of sequence changes on RNA splicing suggest that this variant may disrupt the consensus splice site. In summary, the available evidence is currently insufficient to determine the role of this variant in disease. Therefore, it has been classified as a Variant of Uncertain Significance.